The following is an entry in ClinVar:

ClinVar aggregate classification (germline): Uncertain significance (1 of 4 stars; one submission).

Conditions:
Dilated cardiomyopathy 1G (CMD1G). Identifiers: Orphanet 154, MedGen C1858763, MONDO:0011400, OMIM 604145.
Autosomal recessive limb-girdle muscular dystrophy type 2J (LGMDR10). Also called: Limb-girdle muscular dystrophy, type 2J; MUSCULAR DYSTROPHY, LIMB-GIRDLE, AUTOSOMAL RECESSIVE 10. Identifiers: Orphanet 140922, MedGen C1837342, MONDO:0012127, OMIM 608807.

gnomAD v4.1: 2 of 1,611,742 alleles (0.00012%); highest among the groups gnomAD compares: Non-Finnish European, 0.00017%; no homozygotes.

Submission:

Labcorp Genetics (formerly Invitae), Labcorp
Classification: Uncertain significance for Dilated cardiomyopathy 1G; Autosomal recessive limb-girdle muscular dystrophy type 2J. Last evaluated: 2021-11-22. Review status: criteria provided, single submitter. Criteria: Invitae Variant Classification Sherloc (09022015). Collection method: clinical testing. Allele origin: germline.
Comment: This variant is located in the M band of TTN (PMID: 25589632). Variants in this region may be relevant for neuromuscular disorders, but have not been definitively shown to cause cardiomyopathy (PMID: 23975875). In summary, the available evidence is currently insufficient to determine the role of this variant in disease. Therefore, it has been classified as a Variant of Uncertain Significance. Experimental studies and prediction algorithms are not available or were not evaluated, and the functional significance of this variant is currently unknown. This variant has not been reported in the literature in individuals affected with TTN-related conditions. This variant is not present in population databases (gnomAD no frequency). This sequence change replaces threonine, which is neutral and polar, with serine, which is neutral and polar, at codon 35482 of the TTN protein (p.Thr35482Ser).

Literature cited by the submitters: PubMed 25589632; PubMed 23975875.

NM_001267550.2(TTN):c.106444A>T (p.Thr35482Ser)

Genes: TTN (titin; minus strand), TTN-AS1 (TTN antisense RNA 1; plus strand). Cytogenetic location: 2q31.2.
Variant type: single nucleotide variant.
Coding change: c.106444A>T on transcript NM_001267550.2 (MANE Select); coding-DNA position 106444, A replaced by T.
Protein change: p.Thr35482Ser; replaces threonine 35482 with serine.
Molecular consequence: missense variant.
Genome position (GRCh38, 1-based): chr2:178,530,047, T>A on the plus strand (A>T on the coding strand, the complement: TTN is on the minus strand). VCF-style: chr2-178530047-T-A. GRCh37 (hg19) VCF-style: chr2-179394774-T-A.
Other names: c.101521A>T, p.Thr33841Ser (NM_001256850.1); c.79249A>T, p.Thr26417Ser (NM_003319.4); c.98740A>T, p.Thr32914Ser (NM_133378.4); c.79624A>T, p.Thr26542Ser (NM_133432.3); c.79825A>T, p.Thr26609Ser (NM_133437.4); short protein forms T32914S, T26609S, T33841S, T35482S, T26417S, T26542S.
Identifiers: ClinVar variation 1394513 (VCV001394513.6), dbSNP rs1423470146, ClinGen allele CA349405236.